The following is an entry in ClinVar:

NM_025257.3(SLC44A4):c.596C>A (p.Thr199Asn)

Gene: SLC44A4 (solute carrier family 44 member 4; minus strand). Cytogenetic location: 6p21.33.
Variant type: single nucleotide variant.
Coding change: c.596C>A on transcript NM_025257.3 (MANE Select); coding-DNA position 596, C replaced by A.
Protein change: p.Thr199Asn; replaces threonine 199 with asparagine.
Molecular consequence: missense variant.
Genome position (GRCh38, 1-based): chr6:31,871,495, G>T on the plus strand (C>A on the coding strand, the complement: SLC44A4 is on the minus strand). VCF-style: chr6-31871495-G-T. GRCh37 (hg19) VCF-style: chr6-31839272-G-T.
Other names: c.470C>A, p.Thr157Asn (NM_001178044.2); c.368C>A, p.Thr123Asn (NM_001178045.2); short protein forms T199N, T157N, T123N.
Identifiers: ClinVar variation 3669597 (VCV003669597.2).

ClinVar aggregate classification (germline): Uncertain significance (1 of 4 stars; one submission).

Submission:

Labcorp Genetics (formerly Invitae), Labcorp
Classification: Uncertain significance. Last evaluated: 2024-02-15. Review status: criteria provided, single submitter. Criteria: Invitae Variant Classification Sherloc (09022015). Collection method: clinical testing. Allele origin: germline.
Comment: This sequence change replaces threonine, which is neutral and polar, with asparagine, which is neutral and polar, at codon 199 of the SLC44A4 protein (p.Thr199Asn). This variant is not present in population databases (gnomAD no frequency). This variant has not been reported in the literature in individuals affected with SLC44A4-related conditions. An algorithm developed to predict the effect of missense changes on protein structure and function (PolyPhen-2) suggests that this variant is likely to be tolerated. In summary, the available evidence is currently insufficient to determine the role of this variant in disease. Therefore, it has been classified as a Variant of Uncertain Significance.